The following is an entry in ClinVar:

NM_000264.5(PTCH1):c.3805-197T>A

Gene: PTCH1 (patched 1; minus strand). Cytogenetic location: 9q22.32.
Variant type: single nucleotide variant.
Coding change: c.3805-197T>A on transcript NM_000264.5 (MANE Select); 197 bases into the intron before coding-DNA position 3805, T replaced by A.
Molecular consequence: intron variant.
Genome position (GRCh38, 1-based): chr9:95,447,648, A>T on the plus strand (T>A on the coding strand, the complement: PTCH1 is on the minus strand). VCF-style: chr9-95447648-A-T. GRCh37 (hg19) VCF-style: chr9-98209930-A-T.
Other names: c.3802-197T>A (NM_001083603.3); c.3607-197T>A (NM_001083602.3); c.3649-197T>A (NM_001354918.2); c.3352-197T>A (NM_001083605.3, NM_001083604.3, NM_001083606.3 and 1 more transcripts).
Identifiers: ClinVar variation 677728 (VCV000677728.1), dbSNP rs76562151, ClinGen allele CA196564565.

ClinVar aggregate classification (germline): Benign (1 of 4 stars; one submission).

Allele frequency attached by ClinVar (database versions not stated): gnomAD 0.01950 and 0.02086; TOPMed 0.02287; 1000 Genomes Project 0.02376; 1000 Genomes Project 30x 0.02467.
gnomAD v4.1: 2,939 of 152,290 alleles (1.9%); highest among the groups gnomAD compares: African/African-American, 6.4%; 95 homozygotes.

Submission:

GeneDx
Classification: Benign. Last evaluated: 2018-06-14. Review status: criteria provided, single submitter. Criteria: GeneDx Variant Classification (06012015). Collection method: clinical testing. Allele origin: germline. Affected: yes.
Comment: This variant is considered likely benign or benign based on one or more of the following criteria: it is a conservative change, it occurs at a poorly conserved position in the protein, it is predicted to be benign by multiple in silico algorithms, and/or has population frequency not consistent with disease.